The following is an entry in ClinVar:

ClinVar aggregate classification (germline): Uncertain significance (1 of 4 stars; one submission).

Conditions:
Cardiovascular phenotype. Identifiers: MedGen CN230736.

Allele frequency attached by ClinVar (database versions not stated): gnomAD exomes below 0.00001; TOPMed below 0.00001.
gnomAD v4.1: 4 of 1,613,542 alleles (0.00025%); highest among the groups gnomAD compares: Admixed American, 0.0017%; no homozygotes.

Submission:

Ambry Genetics
Classification: Uncertain significance for Cardiovascular phenotype. Last evaluated: 2021-01-29. Review status: criteria provided, single submitter. Criteria: Ambry Variant Classification Scheme 2023. Collection method: clinical testing. Allele origin: germline.
Comment: The p.R665Q variant (also known as c.1994G>A), located in coding exon 8 of the KCNH2 gene, results from a G to A substitution at nucleotide position 1994. The arginine at codon 665 is replaced by glutamine, an amino acid with highly similar properties, and is located in the cytoplasmic C-terminal region. Functional studies suggested this alteration may affect hyperpolarization and deactivation in potassium channels; however, p.R665Q showed less impact than other amino acid substitutions at this codon, and clinical impact is uncertain (Tristani-Firouzi M et al. J Biol Chem, 2002 May;277:18994-9000). This amino acid position is highly conserved in available vertebrate species. In addition, this alteration is predicted to be deleterious by in silico analysis. Since supporting evidence is limited at this time, the clinical significance of this alteration remains unclear.

Literature cited by the submitters: PubMed 11864984.

NM_000238.4(KCNH2):c.1994G>A (p.Arg665Gln)

Gene: KCNH2 (potassium voltage-gated channel subfamily H member 2; minus strand). Cytogenetic location: 7q36.1.
Variant type: single nucleotide variant.
Coding change: c.1994G>A on transcript NM_000238.4 (MANE Select); coding-DNA position 1994, G replaced by A.
Protein change: p.Arg665Gln; replaces arginine 665 with glutamine.
Molecular consequence: missense variant.
Genome position (GRCh38, 1-based): chr7:150,951,072, C>T on the plus strand (G>A on the coding strand, the complement: KCNH2 is on the minus strand). VCF-style: chr7-150951072-C-T. GRCh37 (hg19) VCF-style: chr7-150648160-C-T.
Other names: c.974G>A, p.Arg325Gln (NM_001204798.2, NM_172057.3); c.1706G>A, p.Arg569Gln (NM_001406753.1, NM_001406756.1); c.1817G>A, p.Arg606Gln (NM_001406755.1); c.1694G>A, p.Arg565Gln (NM_001406757.1); c.1994G>A, p.Arg665Gln (NM_172056.3); short protein forms R606Q, R565Q, R665Q, R569Q, R325Q.
Identifiers: ClinVar variation 1784031 (VCV001784031.2), dbSNP rs887593798, ClinGen allele CA169076266.